The following is an entry in ClinVar:

ClinVar aggregate classification (germline): Uncertain significance (1 of 4 stars; one submission).

Conditions:
Inborn genetic diseases. Identifiers: MedGen C0950123, MeSH D030342.

Submission:

Ambry Genetics
Classification: Uncertain significance for Inborn genetic diseases. Last evaluated: 2026-04-06. Review status: criteria provided, single submitter. Criteria: Ambry Variant Classification Scheme 2023. Collection method: clinical testing. Allele origin: germline.
Comment: The p.G500V variant (also known as c.1499G>T), located in coding exon 1 of the SAMD9L gene, results from a G to T substitution at nucleotide position 1499. The glycine at codon 500 is replaced by valine, an amino acid with dissimilar properties. This amino acid position is conserved. In addition, the in silico prediction for this alteration is inconclusive. Based on the available evidence, the clinical significance of this variant remains unclear.

NM_152703.5(SAMD9L):c.1499G>T (p.Gly500Val)

Gene: SAMD9L (sterile alpha motif domain containing 9 like; minus strand). Cytogenetic location: 7q21.2.
Variant type: single nucleotide variant.
Coding change: c.1499G>T on transcript NM_152703.5 (MANE Select); coding-DNA position 1499, G replaced by T.
Protein change: p.Gly500Val; replaces glycine 500 with valine.
Molecular consequence: missense variant.
Genome position (GRCh38, 1-based): chr7:93,134,473, C>A on the plus strand (G>T on the coding strand, the complement: SAMD9L is on the minus strand). VCF-style: chr7-93134473-C-A. GRCh37 (hg19) VCF-style: chr7-92763786-C-A.
Other names: c.1499G>T, p.Gly500Val (NM_001303496.3, NM_001303497.3, NM_001303498.3 and 5 more transcripts); short protein forms G500V.
Identifiers: ClinVar variation 4863929 (VCV004863929.1).
Genomic context (GRCh38, chr7:93,134,473, plus strand): 5'-TCTCTCTGCCATAAATGTGGTTCTAGAGGTTTATATGTCTCGCTTTTCAGGTCTGATCTG[C>A]CGTTGCAGAAAATCCAGCTGGGCTGTTGGTAAAGATTAAGAGTAGAAATCTTCTCCCACA-3'
Protein context (NP_689916.2, residues 490-510): YQQPSWIFCN[Gly500Val]RSDLKSETYK